The following is an entry in ClinVar:

NM_001130987.2(DYSF):c.4367C>T (p.Pro1456Leu)

Gene: DYSF (dysferlin; plus strand). Cytogenetic location: 2p13.2.
Variant type: single nucleotide variant.
Coding change: c.4367C>T on transcript NM_001130987.2 (MANE Select); coding-DNA position 4367, C replaced by T.
Protein change: p.Pro1456Leu; replaces proline 1456 with leucine.
Molecular consequence: missense variant.
Genome position (GRCh38, 1-based): chr2:71,612,786, C>T. VCF-style: chr2-71612786-C-T. GRCh37 (hg19) VCF-style: chr2-71839916-C-T.
Other names: c.4316C>T, p.Pro1439Leu (NM_001130455.2, NM_001130983.2); c.4271C>T, p.Pro1424Leu (NM_001130976.2, NM_001130977.2); c.4313C>T, p.Pro1438Leu (NM_001130978.2, NM_003494.4); c.4406C>T, p.Pro1469Leu (NM_001130979.2); c.4364C>T, p.Pro1455Leu (NM_001130980.2, NM_001130981.2); c.4409C>T, p.Pro1470Leu (NM_001130982.2); c.4274C>T, p.Pro1425Leu (NM_001130984.2, NM_001130986.2); c.4367C>T, p.Pro1456Leu (NM_001130985.2); short protein forms P1424L, P1425L, P1438L, P1439L, P1455L, P1456L, P1469L, P1470L.
Identifiers: ClinVar variation 1017939 (VCV001017939.3), dbSNP rs1471848144, ClinGen allele CA347229468.

ClinVar aggregate classification (germline): Uncertain significance. Review status: criteria provided, single submitter (1 of 4 stars). 2 submissions from 2 submitters: Uncertain significance (1). 1 of the submissions does not count toward it. Last evaluated 2021-08-26.

Conditions:
Neuromuscular disease caused by qualitative or quantitative defects of dysferlin. Also called: Dysferlinopathy; Qualitative or quantitative defects of dysferlin. Identifiers: Orphanet 207073, MedGen C2931687, MONDO:0016145.
Autosomal recessive limb-girdle muscular dystrophy type 2B (LGMDR2). Also called: Limb-girdle muscular dystrophy, type 2B; Limb-Girdle Muscular Dystrophy Type 2B (LGMD2B); MUSCULAR DYSTROPHY, LIMB-GIRDLE, AUTOSOMAL RECESSIVE 2; MUSCULAR DYSTROPHY, LIMB-GIRDLE, TYPE 3. Identifiers: Orphanet 268, MedGen C1850889, MONDO:0009676, OMIM 253601.

Allele frequency attached by ClinVar (database versions not stated): gnomAD exomes below 0.00001; TOPMed below 0.00001.
gnomAD v4.1: 1 of 1,613,620 alleles (0.000062%); highest among the groups gnomAD compares: African/African-American, 0.0013%; no homozygotes.

Submissions (2):

Labcorp Genetics (formerly Invitae), Labcorp
Classification: Uncertain significance for Neuromuscular disease caused by qualitative or quantitative defects of dysferlin. Last evaluated: 2021-08-26. Review status: criteria provided, single submitter. Criteria: Invitae Variant Classification Sherloc (09022015). Collection method: clinical testing. Allele origin: germline.
Comment: This sequence change replaces proline with leucine at codon 1438 of the DYSF protein (p.Pro1438Leu). The proline residue is moderately conserved and there is a moderate physicochemical difference between proline and leucine. This variant is not present in population databases (ExAC no frequency). This variant has not been reported in the literature in individuals affected with DYSF-related conditions. Advanced modeling of protein sequence and biophysical properties (such as structural, functional, and spatial information, amino acid conservation, physicochemical variation, residue mobility, and thermodynamic stability) performed at Invitae indicates that this missense variant is not expected to disrupt DYSF protein function. In summary, the available evidence is currently insufficient to determine the role of this variant in disease. Therefore, it has been classified as a Variant of Uncertain Significance.

Natera, Inc.
Classification: Uncertain significance for Limb-girdle muscular dystrophy type 2B. Last evaluated: 2021-08-18. Review status: no assertion criteria provided. Collection method: clinical testing. Allele origin: germline. Not counted in ClinVar's aggregate classification.